The following is an entry in ClinVar:

ClinVar aggregate classification (germline): Uncertain significance (1 of 4 stars; one submission).

Conditions:
Peroxisome biogenesis disorder 11A (Zellweger). Also called: Peroxisome biogenesis disorder 11A. Identifiers: Orphanet 912, MedGen C3554000, MONDO:0013949, OMIM 614883.

gnomAD v4.1: 5 of 1,550,394 alleles (0.00032%); highest among the groups gnomAD compares: Non-Finnish European, 0.00044%; no homozygotes.

Submission:

Labcorp Genetics (formerly Invitae), Labcorp
Classification: Uncertain significance for Peroxisome biogenesis disorder 11A (Zellweger). Last evaluated: 2021-10-20. Review status: criteria provided, single submitter. Criteria: Invitae Variant Classification Sherloc (09022015). Collection method: clinical testing. Allele origin: germline.
Comment: This sequence change replaces proline with alanine at codon 11 of the PEX13 protein (p.Pro11Ala). The proline residue is highly conserved and there is a small physicochemical difference between proline and alanine. This variant is not present in population databases (ExAC no frequency). This variant has not been reported in the literature in individuals affected with PEX13-related conditions. Algorithms developed to predict the effect of missense changes on protein structure and function are either unavailable or do not agree on the potential impact of this missense change (SIFT: "Tolerated"; PolyPhen-2: "Probably Damaging"; Align-GVGD: "Class C0"). Algorithms developed to predict the effect of sequence changes on RNA splicing suggest that this variant may create or strengthen a splice site. In summary, the available evidence is currently insufficient to determine the role of this variant in disease. Therefore, it has been classified as a Variant of Uncertain Significance.

NM_002618.4(PEX13):c.31C>G (p.Pro11Ala)

Genes: PEX13 (peroxisomal biogenesis factor 13; plus strand), PUS10 (pseudouridine synthase 10; minus strand). Cytogenetic location: 2p15.
Variant type: single nucleotide variant.
Coding change: c.31C>G on transcript NM_002618.4 (MANE Select); coding-DNA position 31, C replaced by G.
Protein change: p.Pro11Ala; replaces proline 11 with alanine.
Molecular consequence: missense variant. On other transcripts: intron variant (2).
Genome position (GRCh38, 1-based): chr2:61,017,790, C>G. VCF-style: chr2-61017790-C-G. GRCh37 (hg19) VCF-style: chr2-61244925-C-G.
Other names: c.-16+218G>C (NM_144709.4); c.-623+218G>C (NM_001322127.1); short protein forms P11A.
Identifiers: ClinVar variation 1368963 (VCV001368963.3), dbSNP rs1680108011, ClinGen allele CA346936791.